The following is an entry in ClinVar:

NM_003172.4(SURF1):c.347A>G (p.Glu116Gly)

Gene: SURF1 (SURF1 cytochrome c oxidase assembly factor; minus strand). Cytogenetic location: 9q34.2.
Variant type: single nucleotide variant.
Coding change: c.347A>G on transcript NM_003172.4 (MANE Select); coding-DNA position 347, A replaced by G.
Protein change: p.Glu116Gly; replaces glutamic acid 116 with glycine.
Molecular consequence: missense variant.
Genome position (GRCh38, 1-based): chr9:133,353,917, T>C on the plus strand (A>G on the coding strand, the complement: SURF1 is on the minus strand). VCF-style: chr9-133353917-T-C. GRCh37 (hg19) VCF-style: chr9-136220772-T-C.
Other names: c.20A>G, p.Glu7Gly (NM_001280787.1); short protein forms E116G, E7G.
Identifiers: ClinVar variation 1497337 (VCV001497337.3), dbSNP rs1018457058, ClinGen allele CA200833082.

ClinVar aggregate classification (germline): Uncertain significance (1 of 4 stars; one submission).

Conditions:
Leigh syndrome (NULS). Also called: Leigh Disease; Leigh's necrotizing encephalopathy; Leigh's disease; Leigh Syndrome (mtDNA deletion); LEIGH SYNDROME, NUCLEAR; Leigh's syndrome. Identifiers: Orphanet 506, MedGen C2931891, MONDO:0009723, OMIM 256000.

gnomAD v4.1: 1 of 1,613,868 alleles (0.000062%); highest among the groups gnomAD compares: Admixed American, 0.0017%; no homozygotes.

Submission:

Labcorp Genetics (formerly Invitae), Labcorp
Classification: Uncertain significance for Leigh syndrome. Last evaluated: 2022-05-21. Review status: criteria provided, single submitter. Criteria: Invitae Variant Classification Sherloc (09022015). Collection method: clinical testing. Allele origin: germline.
Comment: This sequence change replaces glutamic acid, which is acidic and polar, with glycine, which is neutral and non-polar, at codon 116 of the SURF1 protein (p.Glu116Gly). This variant is present in population databases (no rsID available, gnomAD 0.003%). This variant has not been reported in the literature in individuals affected with SURF1-related conditions. Algorithms developed to predict the effect of missense changes on protein structure and function are either unavailable or do not agree on the potential impact of this missense change (SIFT: "Deleterious"; PolyPhen-2: "Probably Damaging"; Align-GVGD: "Class C0"). In summary, the available evidence is currently insufficient to determine the role of this variant in disease. Therefore, it has been classified as a Variant of Uncertain Significance.